The following is an entry in ClinVar:

NM_201384.3(PLEC):c.12647G>T (p.Arg4216Leu)

Gene: PLEC (plectin; minus strand). Cytogenetic location: 8q24.3.
Variant type: single nucleotide variant.
Coding change: c.12647G>T on transcript NM_201384.3 (MANE Select); coding-DNA position 12647, G replaced by T.
Protein change: p.Arg4216Leu; replaces arginine 4216 with leucine.
Molecular consequence: missense variant.
Genome position (GRCh38, 1-based): chr8:143,917,174, C>A on the plus strand (G>T on the coding strand, the complement: PLEC is on the minus strand). VCF-style: chr8-143917174-C-A. GRCh37 (hg19) VCF-style: chr8-144991342-C-A.
Other names: c.12728G>T, p.Arg4243Leu (NM_000445.5); c.12605G>T, p.Arg4202Leu (NM_201378.4); c.12581G>T, p.Arg4194Leu (NM_201379.3); c.13058G>T, p.Arg4353Leu (NM_201380.4); c.12551G>T, p.Arg4184Leu (NM_201381.3); c.12647G>T, p.Arg4216Leu (NM_201382.4); c.12659G>T, p.Arg4220Leu (NM_201383.3); short protein forms R4184L, R4194L, R4202L, R4216L, R4220L, R4243L, R4353L.
Identifiers: ClinVar variation 1024804 (VCV001024804.9), dbSNP rs151106439, ClinGen allele CA372479973.

ClinVar aggregate classification (germline): Uncertain significance (1 of 4 stars; one submission).

Conditions:
Epidermolysis bullosa simplex with nail dystrophy (EBS5D). Identifiers: MedGen C4225309, MONDO:0014661, OMIM 616487.
Epidermolysis bullosa simplex 5B, with muscular dystrophy (EBS5B). Also called: EPIDERMOLYSIS BULLOSA SIMPLEX AND LIMB-GIRDLE MUSCULAR DYSTROPHY; Epidermolysis bullosa simplex with muscular dystrophy. Identifiers: Orphanet 257, MedGen C2931072, MONDO:0009181, OMIM 226670.
Epidermolysis bullosa simplex, Ogna type (EBS5A). Also called: Pidermolysis bullosa simplex 5A, Ogna type; EPIDERMOLYSIS BULLOSA SIMPLEX 5A, OGNA TYPE. Identifiers: Orphanet 79401, MedGen C0432317, MONDO:0007555, OMIM 131950.
Epidermolysis bullosa simplex 5C, with pyloric atresia (EBS5C). Also called: PLEC-Related Epidermolysis Bullosa with Pyloric Atresia; Epidermolysis bullosa simplex with pyloric atresia; PLEC1-Related Epidermolysis Bullosa with Pyloric Atresia. Identifiers: Orphanet 158684, MedGen C2677349, MONDO:0012807, OMIM 612138.
Autosomal recessive limb-girdle muscular dystrophy type 2Q (LGMDR17). Also called: MUSCULAR DYSTROPHY, LIMB-GIRDLE, AUTOSOMAL RECESSIVE 17. Identifiers: Orphanet 254361, MedGen C3150989, MONDO:0013390, OMIM 613723.

Submission:

Labcorp Genetics (formerly Invitae), Labcorp
Classification: Uncertain significance for Autosomal recessive limb-girdle muscular dystrophy type 2Q; Epidermolysis bullosa simplex, Ogna type; Epidermolysis bullosa simplex with nail dystrophy; Epidermolysis bullosa simplex 5C, with pyloric atresia; Epidermolysis bullosa simplex 5B, with muscular dystrophy. Last evaluated: 2020-07-15. Review status: criteria provided, single submitter. Criteria: Invitae Variant Classification Sherloc (09022015). Collection method: clinical testing. Allele origin: germline.
Comment: In summary, the available evidence is currently insufficient to determine the role of this variant in disease. Therefore, it has been classified as a Variant of Uncertain Significance. Algorithms developed to predict the effect of missense changes on protein structure and function (SIFT, PolyPhen-2, Align-GVGD) all suggest that this variant is likely to be disruptive, but these predictions have not been confirmed by published functional studies and their clinical significance is uncertain. This variant has not been reported in the literature in individuals with PLEC-related conditions. This variant is not present in population databases (ExAC no frequency). This sequence change replaces arginine with leucine at codon 4243 of the PLEC protein (p.Arg4243Leu). The arginine residue is moderately conserved and there is a moderate physicochemical difference between arginine and leucine.